The following is an entry in ClinVar:

NM_000814.6(GABRB3):c.221T>C (p.Met74Thr)

Gene: GABRB3 (gamma-aminobutyric acid type A receptor subunit beta3; minus strand). Cytogenetic location: 15q12.
Variant type: single nucleotide variant.
Coding change: c.221T>C on transcript NM_000814.6 (MANE Select); coding-DNA position 221, T replaced by C.
Protein change: p.Met74Thr; replaces methionine 74 with threonine.
Molecular consequence: missense variant. On other transcripts: 5 prime UTR variant (1).
Genome position (GRCh38, 1-based): chr15:26,772,421, A>G on the plus strand (T>C on the coding strand, the complement: GABRB3 is on the minus strand). VCF-style: chr15-26772421-A-G. GRCh37 (hg19) VCF-style: chr15-27017568-A-G.
Other names: c.-131T>C (NM_001278631.2); c.221T>C, p.Met74Thr (NM_021912.5); short protein forms M74T.
Identifiers: ClinVar variation 4874772 (VCV004874772.2).

ClinVar aggregate classification (germline): Uncertain significance (1 of 4 stars; one submission).

Submission:

CeGaT Center for Human Genetics Tuebingen
Classification: Uncertain significance. Last evaluated: 2026-04-01. Review status: criteria provided, single submitter. Criteria: CeGaT Center For Human Genetics Tuebingen Variant Classification Criteria Version 2. Collection method: clinical testing. Allele origin: germline. Affected: yes. Observed: 1 variant allele.
Comment: GABRB3: PM2, PP2